The following is an entry in ClinVar:

NM_001376.5(DYNC1H1):c.9896T>C (p.Ile3299Thr)

Gene: DYNC1H1 (dynein cytoplasmic 1 heavy chain 1; plus strand). Cytogenetic location: 14q32.31.
Variant type: single nucleotide variant.
Coding change: c.9896T>C on transcript NM_001376.5 (MANE Select); coding-DNA position 9896, T replaced by C.
Protein change: p.Ile3299Thr; replaces isoleucine 3299 with threonine.
Molecular consequence: missense variant.
Genome position (GRCh38, 1-based): chr14:102,032,284, T>C. VCF-style: chr14-102032284-T-C. GRCh37 (hg19) VCF-style: chr14-102498621-T-C.
Other names: short protein forms I3299T.
Identifiers: ClinVar variation 2705296 (VCV002705296.3), dbSNP rs2503819567, ClinGen allele CA391019582.

ClinVar aggregate classification (germline): Uncertain significance (1 of 4 stars; one submission).

Conditions:
Charcot-Marie-Tooth disease axonal type 2O. Also called: Charcot-Marie-Tooth disease, axonal, type 20; CHARCOT-MARIE-TOOTH NEUROPATHY, AXONAL, TYPE 2O; CHARCOT-MARIE-TOOTH DISEASE, AXONAL, AUTOSOMAL DOMINANT, TYPE 2O; Charcot-Marie-Tooth Neuropathy Type 2O. Identifiers: Orphanet 284232, MedGen C3280220, MONDO:0013644, OMIM 614228.

Submission:

Labcorp Genetics (formerly Invitae), Labcorp
Classification: Uncertain significance for Charcot-Marie-Tooth disease axonal type 2O. Last evaluated: 2024-01-22. Review status: criteria provided, single submitter. Criteria: Invitae Variant Classification Sherloc (09022015). Collection method: clinical testing. Allele origin: germline.
Comment: This sequence change replaces isoleucine, which is neutral and non-polar, with threonine, which is neutral and polar, at codon 3299 of the DYNC1H1 protein (p.Ile3299Thr). This variant is not present in population databases (gnomAD no frequency). This variant has not been reported in the literature in individuals affected with DYNC1H1-related conditions. Advanced modeling of protein sequence and biophysical properties (such as structural, functional, and spatial information, amino acid conservation, physicochemical variation, residue mobility, and thermodynamic stability) performed at Invitae indicates that this missense variant is expected to disrupt DYNC1H1 protein function with a positive predictive value of 95%. In summary, the available evidence is currently insufficient to determine the role of this variant in disease. Therefore, it has been classified as a Variant of Uncertain Significance.